The following is an entry in ClinVar:

ClinVar aggregate classification (germline): Uncertain significance. Review status: criteria provided, multiple submitters, no conflicts (2 of 4 stars). 2 submissions from 2 submitters: Uncertain significance (2). Last evaluated 2025-07-01.

gnomAD v4.1: 1 of 1,614,054 alleles (0.000062%); highest among the groups gnomAD compares: Non-Finnish European, 0.000085%; no homozygotes.

Submissions (2):

CeGaT Center for Human Genetics Tuebingen
Classification: Uncertain significance. Last evaluated: 2025-07-01. Review status: criteria provided, single submitter. Criteria: CeGaT Center For Human Genetics Tuebingen Variant Classification Criteria Version 2. Collection method: clinical testing. Allele origin: germline. Affected: yes. Observed: 1 variant allele.
Comment: ABCA1: PM2, PP3

Labcorp Genetics (formerly Invitae), Labcorp
Classification: Uncertain significance. Last evaluated: 2024-03-13. Review status: criteria provided, single submitter. Criteria: Invitae Variant Classification Sherloc (09022015). Collection method: clinical testing. Allele origin: germline.
Comment: This sequence change replaces tyrosine, which is neutral and polar, with cysteine, which is neutral and slightly polar, at codon 1729 of the ABCA1 protein (p.Tyr1729Cys). This variant is present in population databases (no rsID available, gnomAD 0.007%). This variant has not been reported in the literature in individuals affected with ABCA1-related conditions. Advanced modeling of protein sequence and biophysical properties (such as structural, functional, and spatial information, amino acid conservation, physicochemical variation, residue mobility, and thermodynamic stability) performed at Invitae indicates that this missense variant is expected to disrupt ABCA1 protein function with a positive predictive value of 80%. In summary, the available evidence is currently insufficient to determine the role of this variant in disease. Therefore, it has been classified as a Variant of Uncertain Significance.

NM_005502.4(ABCA1):c.5186A>G (p.Tyr1729Cys)

Gene: ABCA1 (ATP binding cassette subfamily A member 1; minus strand). Cytogenetic location: 9q31.1.
Variant type: single nucleotide variant.
Coding change: c.5186A>G on transcript NM_005502.4 (MANE Select); coding-DNA position 5186, A replaced by G.
Protein change: p.Tyr1729Cys; replaces tyrosine 1729 with cysteine.
Molecular consequence: missense variant.
Genome position (GRCh38, 1-based): chr9:104,796,360, T>C on the plus strand (A>G on the coding strand, the complement: ABCA1 is on the minus strand). VCF-style: chr9-104796360-T-C. GRCh37 (hg19) VCF-style: chr9-107558641-T-C.
Other names: short protein forms Y1729C.
Identifiers: ClinVar variation 3629094 (VCV003629094.10).